The following is an entry in ClinVar:

NM_031475.3(ESPN):c.2321G>A (p.Arg774Gln)

Gene: ESPN (espin; plus strand). Cytogenetic location: 1p36.31.
Variant type: single nucleotide variant.
Coding change: c.2321G>A on transcript NM_031475.3 (MANE Select); coding-DNA position 2321, G replaced by A.
Protein change: p.Arg774Gln; replaces arginine 774 with glutamine.
Molecular consequence: missense variant.
Genome position (GRCh38, 1-based): chr1:6,452,092, G>A. VCF-style: chr1-6452092-G-A. GRCh37 (hg19) VCF-style: chr1-6512152-G-A.
Other names: c.2231G>A, p.Arg744Gln (NM_001367473.1); c.2258G>A, p.Arg753Gln (NM_001367474.1); short protein forms R774Q, R744Q, R753Q.
Identifiers: ClinVar variation 4422 (VCV000004422.5), dbSNP rs121908136, ClinGen allele CA116851.
Genomic context (GRCh38, chr1:6,452,092, plus strand): 5'-AGCGCCAGGTGATGGTGCGCAAGATGCAGCTGAAGATGCAGGAGGAGGAGGAGCAGAGGC[G>A]GAAGGTGGGTGGGGCGGGGTGCCCAGGGAGCCCTGGGGTCTGCATCTGGATGCACAGCCC-3'
Protein context (NP_113663.2, residues 764-784): LKMQEEEEQR[Arg774Gln]KEEEEEARLA

ClinVar aggregate classification (germline): Uncertain significance. Review status: criteria provided, single submitter (1 of 4 stars). 2 submissions from 2 submitters: Uncertain significance (1). 1 of the submissions does not count toward it.

Conditions:
Usher syndrome, type 1M. Identifiers: MedGen C5231434, MONDO:0032841, OMIM 618632.
Autosomal recessive nonsyndromic hearing loss 36. Also called: DEAFNESS, AUTOSOMAL RECESSIVE 36, WITH VESTIBULAR INVOLVEMENT; Deafness, autosomal recessive 36. Identifiers: Orphanet 90636, MedGen C1837007, MONDO:0012170, OMIM 609006.
Autosomal dominant nonsyndromic hearing loss 91. Also called: DEAFNESS, AUTOSOMAL DOMINANT 91. Identifiers: MedGen CN381539, MONDO:0981166, OMIM 621556.

Allele frequency attached by ClinVar (database versions not stated): gnomAD 0.00001; TOPMed 0.00002.
gnomAD v4.1: 17 of 1,543,026 alleles (0.0011%); highest among the groups gnomAD compares: East Asian, 0.0024%; no homozygotes.

Submissions (2):

Juno Genomics, Hangzhou Juno Genomics, Inc
Classification: Uncertain significance for Usher syndrome, type 1M; Autosomal recessive nonsyndromic hearing loss 36. Review status: criteria provided, single submitter. Criteria: ACMG Guidelines, 2015. Collection method: clinical testing. Allele origin: germline.
Comment: Absent from controls (or at extremely low frequency if recessive) in Genome Aggregation Database.

OMIM
Classification: Pathogenic for DEAFNESS, AUTOSOMAL DOMINANT 91. Last evaluated: 2006-02-01. Review status: no assertion criteria provided. Collection method: literature only. Allele origin: germline. Not counted in ClinVar's aggregate classification.

Literature cited by the submitters: PubMed 15930085 (cited by OMIM).